The following is an entry in ClinVar:

ClinVar aggregate classification (germline): Likely pathogenic (1 of 4 stars; one submission).

Submission:

Labcorp Genetics (formerly Invitae), Labcorp
Classification: Likely pathogenic. Last evaluated: 2024-10-29. Review status: criteria provided, single submitter. Criteria: Invitae Variant Classification Sherloc (09022015). Collection method: clinical testing. Allele origin: germline.
Comment: This sequence change affects an acceptor splice site in intron 7 of the TNFAIP3 gene. It is expected to disrupt RNA splicing. Variants that disrupt the donor or acceptor splice site typically lead to a loss of protein function (PMID: 16199547), and loss-of-function variants in TNFAIP3 are known to be pathogenic (PMID: 26642243). This variant is not present in population databases (gnomAD no frequency). This variant has not been reported in the literature in individuals affected with TNFAIP3-related conditions. Algorithms developed to predict the effect of sequence changes on RNA splicing suggest that this variant may disrupt the consensus splice site. In summary, the currently available evidence indicates that the variant is pathogenic, but additional data are needed to prove that conclusively. Therefore, this variant has been classified as Likely Pathogenic.

Literature cited by the submitters: PubMed 16199547; PubMed 26642243.

NM_001270508.2(TNFAIP3):c.1907-2A>G

Gene: TNFAIP3 (TNF alpha induced protein 3; plus strand). Cytogenetic location: 6q23.3.
Variant type: single nucleotide variant.
Coding change: c.1907-2A>G on transcript NM_001270508.2 (MANE Select); the canonical splice acceptor site of the intron before coding-DNA position 1907, A replaced by G.
Molecular consequence: splice acceptor variant.
Genome position (GRCh38, 1-based): chr6:137,880,069, A>G. VCF-style: chr6-137880069-A-G. GRCh37 (hg19) VCF-style: chr6-138201206-A-G.
Other names: c.1907-2A>G (NM_001270507.2, NM_006290.4).
Identifiers: ClinVar variation 3724037 (VCV003724037.2).
Genomic context (GRCh38, chr6:137,880,069, plus strand): 5'-AGCATCTCTGTATCGGTGGGGTGACCCCTATGTGGTACTAACTAGCATCCATTCTCATGT[A>G]GATTTTGCTGCTGCCTCAGGGAAAGTCAGTCCCACAGCGTCCAGGTTCCAGAACACCATT-3'